The following is an entry in ClinVar:

ClinVar aggregate classification (germline): Uncertain significance (1 of 4 stars; one submission).

Conditions:
Cohen syndrome (COH1). Also called: Cutis verticis gyrata, retinitis pigmentosa, and sensorineural deafness; PEPPER SYNDROME. Identifiers: Orphanet 193, MedGen C0265223, MONDO:0008999, OMIM 216550.

Allele frequency attached by ClinVar (database versions not stated): TOPMed below 0.00001.

Submission:

Labcorp Genetics (formerly Invitae), Labcorp
Classification: Uncertain significance for Cohen syndrome. Last evaluated: 2022-05-29. Review status: criteria provided, single submitter. Criteria: Invitae Variant Classification Sherloc (09022015). Collection method: clinical testing. Allele origin: germline.
Comment: This sequence change replaces valine, which is neutral and non-polar, with isoleucine, which is neutral and non-polar, at codon 1656 of the VPS13B protein (p.Val1656Ile). This variant is not present in population databases (gnomAD no frequency). This variant has not been reported in the literature in individuals affected with VPS13B-related conditions. Algorithms developed to predict the effect of missense changes on protein structure and function are either unavailable or do not agree on the potential impact of this missense change (SIFT: "Not Available"; PolyPhen-2: "Benign"; Align-GVGD: "Not Available"). In summary, the available evidence is currently insufficient to determine the role of this variant in disease. Therefore, it has been classified as a Variant of Uncertain Significance.

NM_152564.5(VPS13B):c.4891G>A (p.Val1631Ile)

Gene: VPS13B (vacuolar protein sorting 13 homolog B; plus strand). Cytogenetic location: 8q22.2.
Variant type: single nucleotide variant.
Coding change: c.4891G>A on transcript NM_152564.5 (MANE Select); coding-DNA position 4891, G replaced by A.
Protein change: p.Val1631Ile; replaces valine 1631 with isoleucine.
Molecular consequence: missense variant.
Genome position (GRCh38, 1-based): chr8:99,556,595, G>A. VCF-style: chr8-99556595-G-A. GRCh37 (hg19) VCF-style: chr8-100568823-G-A.
Other names: c.4966G>A, p.Val1656Ile (NM_017890.5); short protein forms V1656I, V1631I.
Identifiers: ClinVar variation 2110692 (VCV002110692.4), dbSNP rs1824580603, ClinGen allele CA371869547.